The following is an entry in ClinVar:

NM_199242.3(UNC13D):c.1283T>G (p.Leu428Arg)

Gene: UNC13D (unc-13 homolog D; minus strand). Cytogenetic location: 17q25.1.
Variant type: single nucleotide variant.
Coding change: c.1283T>G on transcript NM_199242.3 (MANE Select); coding-DNA position 1283, T replaced by G.
Protein change: p.Leu428Arg; replaces leucine 428 with arginine.
Molecular consequence: missense variant.
Genome position (GRCh38, 1-based): chr17:75,836,587, A>C on the plus strand (T>G on the coding strand, the complement: UNC13D is on the minus strand). VCF-style: chr17-75836587-A-C. GRCh37 (hg19) VCF-style: chr17-73832668-A-C.
Other names: short protein forms L428R.
Identifiers: ClinVar variation 2118951 (VCV002118951.4), dbSNP rs2545982666, ClinGen allele CA401100394.

ClinVar aggregate classification (germline): Uncertain significance (1 of 4 stars; one submission).

Conditions:
Familial hemophagocytic lymphohistiocytosis 3 (FHL3). Also called: UNC13D-Related Familial Hemophagocytic Lymphohistiocytosis (UNC13D-fHLH). Identifiers: Orphanet 540, MedGen C1837174, MONDO:0012146, OMIM 608898.

Submission:

Labcorp Genetics (formerly Invitae), Labcorp
Classification: Uncertain significance for Familial hemophagocytic lymphohistiocytosis 3. Last evaluated: 2022-03-28. Review status: criteria provided, single submitter. Criteria: Invitae Variant Classification Sherloc (09022015). Collection method: clinical testing. Allele origin: germline.
Comment: In summary, the available evidence is currently insufficient to determine the role of this variant in disease. Therefore, it has been classified as a Variant of Uncertain Significance. Algorithms developed to predict the effect of missense changes on protein structure and function are either unavailable or do not agree on the potential impact of this missense change (SIFT: "Not Available"; PolyPhen-2: "Probably Damaging"; Align-GVGD: "Not Available"). This missense change has been observed in individual(s) with clinical features of familial hemophagocytic lymphohistiocytosis (Invitae). This variant is not present in population databases (gnomAD no frequency). This sequence change replaces leucine, which is neutral and non-polar, with arginine, which is basic and polar, at codon 428 of the UNC13D protein (p.Leu428Arg).